The following is an entry in ClinVar:

ClinVar aggregate classification (germline): Likely benign. Review status: criteria provided, multiple submitters, no conflicts (2 of 4 stars). 5 submissions from 5 submitters: Likely benign (3). 2 of the submissions do not count toward it. Last evaluated 2025-09-09.

Conditions:
LRP5-related disorder. Also called: LRP5-related condition.

Allele frequency attached by ClinVar (database versions not stated): gnomAD 0.00012 and 0.00015; ExAC 0.00014; gnomAD exomes 0.00014 and 0.00009; TOPMed 0.00014; 1000 Genomes Project 30x 0.00031; 1000 Genomes Project 0.00040; ESP Exome Variant Server 0.00008.
gnomAD v4.1: 153 of 1,613,252 alleles (0.0095%); highest among the groups gnomAD compares: South Asian, 0.1%; no homozygotes.

Submissions (5):

Labcorp Genetics (formerly Invitae), Labcorp
Classification: Likely benign. Last evaluated: 2025-09-09. Review status: criteria provided, single submitter. Criteria: Invitae Variant Classification Sherloc (09022015). Collection method: clinical testing. Allele origin: germline.

PreventionGenetics, part of Exact Sciences
Classification: Likely benign for LRP5-related condition. Last evaluated: 2025-06-22. Review status: criteria provided, single submitter. Criteria: ACMG Guidelines, 2015. Collection method: clinical testing. Allele origin: germline.
Comment: This variant is classified as likely benign based on ACMG/AMP sequence variant interpretation guidelines (Richards et al. 2015 PMID: 25741868, with internal and published modifications).

Blueprint Genetics
Classification: Likely benign. Last evaluated: 2024-06-17. Review status: criteria provided, single submitter. Criteria: ACMG Guidelines, 2015. Collection method: clinical testing. Allele origin: germline.

Clinical Genetics DNA and cytogenetics Diagnostics Lab, Erasmus MC, Erasmus Medical Center
Classification: Likely benign. Review status: no assertion criteria provided. Collection method: clinical testing. Allele origin: germline. Affected: yes. Study: VKGL Data-share Consensus. Not counted in ClinVar's aggregate classification.

Clinical Genetics, Academic Medical Center
Classification: Benign. Review status: no assertion criteria provided. Collection method: clinical testing. Allele origin: germline. Affected: yes. Study: VKGL Data-share Consensus. Not counted in ClinVar's aggregate classification.

NM_002335.4(LRP5):c.141C>T (p.Asp47=)

Gene: LRP5 (LDL receptor related protein 5; plus strand). Cytogenetic location: 11q13.2.
Variant type: single nucleotide variant.
Coding change: c.141C>T on transcript NM_002335.4 (MANE Select); coding-DNA position 141, C replaced by T.
Protein change: p.Asp47=; no amino-acid change (aspartic acid 47 retained).
Molecular consequence: synonymous variant. On other transcripts: 5 prime UTR variant (1).
Genome position (GRCh38, 1-based): chr11:68,347,896, C>T. VCF-style: chr11-68347896-C-T. GRCh37 (hg19) VCF-style: chr11-68115364-C-T.
Other names: c.-1625C>T (NM_001291902.2).
Identifiers: ClinVar variation 748741 (VCV000748741.15), dbSNP rs375980894, ClinGen allele CA6148918.
Genomic context (GRCh38, chr11:68,347,896, plus strand): 5'-CTGCCCCACAGCCTCGCCGCTCCTGCTATTTGCCAACCGCCGGGACGTACGGCTGGTGGA[C>T]GCCGGCGGAGTCAAGCTGGAGTCCACCATCGTGGTCAGCGGCCTGGAGGATGCGGCCGCA-3'
Protein context (NP_002326.2, residues 37-57): FANRRDVRLV[Asp47=]AGGVKLESTI